The following is an entry in ClinVar:

ClinVar aggregate classification (germline): Pathogenic (1 of 4 stars; one submission).

Conditions:
Glycine encephalopathy 1 (GCE1). Identifiers: MedGen CN376801, MONDO:0958179, OMIM 605899.

Submission:

Myriad Genetics, Inc.
Classification: Pathogenic for Glycine encephalopathy 1. Last evaluated: 2023-11-05. Review status: criteria provided, single submitter. Criteria: Myriad Autosomal Dominant, Autosomal Recessive and X-Linked Classification Criteria (2023). Collection method: clinical testing. Allele origin: unknown.
Comment: NM_000170.2(GLDC):c.343delG(E115Kfs*116) is expected to be pathogenic in the context of glycine encephalopathy, GLDC-related. This variant is predicted to lead to an abnormal or absent protein product due to the creation of a premature termination codon in GLDC, a gene where loss-of-function variants are known to be pathogenic. Please note: this variant was assessed in the context of healthy population screening.

NM_000170.3(GLDC):c.343del (p.Glu115fs)

Gene: GLDC (glycine decarboxylase; minus strand). Cytogenetic location: 9p24.1.
Variant type: Deletion.
Coding change: c.343del on transcript NM_000170.3 (MANE Select); coding-DNA position 343, one base deleted (G; older notation c.343delG).
Protein change: p.Glu115fs; shifts the reading frame from glutamic acid 115.
Molecular consequence: frameshift variant.
Genome position (GRCh38, 1-based): chr9:6,620,311, C deleted on the plus strand (G on the coding strand, the reverse complement: GLDC is on the minus strand). VCF-style (leftmost placement, unchanged base first): chr9-6620310-TC-T. GRCh37 (hg19) VCF-style: chr9-6620310-TC-T.
Other names: short protein forms E115fs.
Identifiers: ClinVar variation 5012466 (VCV005012466.1).